The following is an entry in ClinVar:

ClinVar aggregate classification (germline): Uncertain significance. Review status: criteria provided, multiple submitters, no conflicts (2 of 4 stars). 3 submissions from 3 submitters: Uncertain significance (3). Last evaluated 2025-06-24.

Conditions:
Cardiovascular phenotype. Identifiers: MedGen CN230736.
Brugada syndrome 8 (BRGDA8). Identifiers: Orphanet 130, MedGen C2751083, MONDO:0013148, OMIM 613123.

Allele frequency attached by ClinVar (database versions not stated): gnomAD exomes below 0.00001 and 0.00001; ExAC 0.00001; gnomAD 0.00001.
gnomAD v4.1: 5 of 1,613,980 alleles (0.00031%); highest among the groups gnomAD compares: East Asian, 0.0022%; no homozygotes.

Submissions (3):

GeneDx
Classification: Uncertain significance. Last evaluated: 2025-06-24. Review status: criteria provided, single submitter. Criteria: GeneDx Variant Classification Process June 2021. Collection method: clinical testing. Allele origin: germline. Affected: yes.
Comment: Has not been previously published as pathogenic or benign to our knowledge; In silico analysis supports that this missense variant has a deleterious effect on protein structure/function; Not observed at significant frequency in large population cohorts (gnomAD)

Labcorp Genetics (formerly Invitae), Labcorp
Classification: Uncertain significance for Brugada syndrome 8. Last evaluated: 2024-05-21. Review status: criteria provided, single submitter. Criteria: Invitae Variant Classification Sherloc (09022015). Collection method: clinical testing. Allele origin: germline.
Comment: This sequence change replaces tyrosine, which is neutral and polar, with cysteine, which is neutral and slightly polar, at codon 554 of the HCN4 protein (p.Tyr554Cys). This variant is not present in population databases (gnomAD no frequency). This variant has not been reported in the literature in individuals affected with HCN4-related conditions. ClinVar contains an entry for this variant (Variation ID: 664650). Advanced modeling of protein sequence and biophysical properties (such as structural, functional, and spatial information, amino acid conservation, physicochemical variation, residue mobility, and thermodynamic stability) performed at Invitae indicates that this missense variant is expected to disrupt HCN4 protein function with a positive predictive value of 80%. In summary, the available evidence is currently insufficient to determine the role of this variant in disease. Therefore, it has been classified as a Variant of Uncertain Significance.

Ambry Genetics
Classification: Uncertain significance for Cardiovascular phenotype. Last evaluated: 2021-09-07. Review status: criteria provided, single submitter. Criteria: Ambry Variant Classification Scheme 2023. Collection method: clinical testing. Allele origin: germline.
Comment: The p.Y554C variant (also known as c.1661A>G), located in coding exon 5 of the HCN4 gene, results from an A to G substitution at nucleotide position 1661. The tyrosine at codon 554 is replaced by cysteine, an amino acid with highly dissimilar properties. This amino acid position is conserved. In addition, this alteration is predicted to be deleterious by in silico analysis. Since supporting evidence is limited at this time, the clinical significance of this alteration remains unclear.

NM_005477.3(HCN4):c.1661A>G (p.Tyr554Cys)

Gene: HCN4 (hyperpolarization activated cyclic nucleotide gated potassium channel 4; minus strand). Cytogenetic location: 15q24.1.
Variant type: single nucleotide variant.
Coding change: c.1661A>G on transcript NM_005477.3 (MANE Select); coding-DNA position 1661, A replaced by G.
Protein change: p.Tyr554Cys; replaces tyrosine 554 with cysteine.
Molecular consequence: missense variant.
Genome position (GRCh38, 1-based): chr15:73,325,374, T>C on the plus strand (A>G on the coding strand, the complement: HCN4 is on the minus strand). VCF-style: chr15-73325374-T-C. GRCh37 (hg19) VCF-style: chr15-73617715-T-C.
Other names: short protein forms Y554C.
Identifiers: ClinVar variation 664650 (VCV000664650.10), dbSNP rs767926374, ClinGen allele CA7649236.